The following is an entry in ClinVar:

ClinVar aggregate classification (germline): Uncertain significance (1 of 4 stars; one submission).

Conditions:
Multiple congenital anomalies-hypotonia-seizures syndrome 2 (MCAHS2). Also called: EPILEPTIC ENCEPHALOPATHY, EARLY INFANTILE, 20; GLYCOSYLPHOSPHATIDYLINOSITOL BIOSYNTHESIS DEFECT 4. Identifiers: Orphanet 300496, MedGen C3275508, MONDO:0010466, OMIM 300868.

Allele frequency attached by ClinVar (database versions not stated): gnomAD exomes 0.00001.

Submission:

Labcorp Genetics (formerly Invitae), Labcorp
Classification: Uncertain significance for Multiple congenital anomalies-hypotonia-seizures syndrome 2. Last evaluated: 2020-05-20. Review status: criteria provided, single submitter. Criteria: Invitae Variant Classification Sherloc (09022015). Collection method: clinical testing. Allele origin: germline.
Comment: In summary, the available evidence is currently insufficient to determine the role of this variant in disease. Therefore, it has been classified as a Variant of Uncertain Significance. Algorithms developed to predict the effect of missense changes on protein structure and function are either unavailable or do not agree on the potential impact of this missense change (SIFT: "Tolerated"; PolyPhen-2: "Possibly Damaging"; Align-GVGD: "Class C0"). This variant has not been reported in the literature in individuals with PIGA-related conditions. This variant is not present in population databases (ExAC no frequency). This sequence change replaces threonine with serine at codon 227 of the PIGA protein (p.Thr227Ser). The threonine residue is moderately conserved and there is a small physicochemical difference between threonine and serine.

NM_002641.4(PIGA):c.680C>G (p.Thr227Ser)

Gene: PIGA (phosphatidylinositol glycan anchor biosynthesis class A; minus strand). Cytogenetic location: Xp22.2.
Variant type: single nucleotide variant.
Coding change: c.680C>G on transcript NM_002641.4 (MANE Select); coding-DNA position 680, C replaced by G.
Protein change: p.Thr227Ser; replaces threonine 227 with serine.
Molecular consequence: missense variant. On other transcripts: intron variant (1).
Genome position (GRCh38, 1-based): chrX:15,331,251, G>C on the plus strand (C>G on the coding strand, the complement: PIGA is on the minus strand). VCF-style: chrX-15331251-G-C. GRCh37 (hg19) VCF-style: chrX-15349373-G-C.
Other names: c.13+4250C>G (NM_020473.3); short protein forms T227S.
Identifiers: ClinVar variation 1002339 (VCV001002339.9), dbSNP rs767267768, ClinGen allele CA326944943.